The following is an entry in ClinVar:

NM_021926.4(ALX4):c.442G>A (p.Ala148Thr)

Gene: ALX4 (ALX homeobox 4; minus strand). Cytogenetic location: 11p11.2.
Variant type: single nucleotide variant.
Coding change: c.442G>A on transcript NM_021926.4 (MANE Select); coding-DNA position 442, G replaced by A.
Protein change: p.Ala148Thr; replaces alanine 148 with threonine.
Molecular consequence: missense variant.
Genome position (GRCh38, 1-based): chr11:44,309,621, C>T on the plus strand (G>A on the coding strand, the complement: ALX4 is on the minus strand). VCF-style: chr11-44309621-C-T. GRCh37 (hg19) VCF-style: chr11-44331171-C-T.
Other names: short protein forms A148T.
Identifiers: ClinVar variation 3376224 (VCV003376224.1).

ClinVar aggregate classification (germline): Uncertain significance (1 of 4 stars; one submission).

Conditions:
Frontonasal dysplasia with alopecia and genital anomaly. Identifiers: Orphanet 228390, MedGen C3150703, MONDO:0013268, OMIM 613451.

Submission:

Pittsburgh Clinical Genomics Laboratory, University of Pittsburgh Medical Center
Classification: Uncertain significance for Frontonasal dysplasia with alopecia and genital anomaly. Last evaluated: 2023-09-18. Review status: criteria provided, single submitter. Criteria: ACMG Guidelines, 2015. Collection method: clinical testing. Allele origin: germline. Inheritance: Autosomal unknown. Affected: yes.
Comment: This sequence variant is a single nucleotide substitution (G>A) at position 442 of the coding sequence of the ALX4 gene that results in an alanine to threonine amino acid change at residue 148 of the ALX homeobox 4 protein. This variant is absent from ClinVar and from the gnomAD population database (0/~210,000 alleles). Multiple bioinformatic tools predict that this Ala to Thr amino acid change would be damaging, and the Ala148 residue at this position is conserved across the vertebrate species examined. Studies examining the functiol consequence of this variant have not been performed, to our knowledge. At this time, there is insufficient evidence to determine if this variant is pathogenic or benign. Therefore, we consider this a variant of uncertain significance. ACMG Criteria: PM2, PP3